The following is an entry in ClinVar:

NM_201384.3(PLEC):c.954G>A (p.Trp318Ter)

Gene: PLEC (plectin; minus strand). Cytogenetic location: 8q24.3.
Variant type: single nucleotide variant.
Coding change: c.954G>A on transcript NM_201384.3 (MANE Select); coding-DNA position 954, G replaced by A.
Protein change: p.Trp318Ter; replaces tryptophan 318 with a stop codon.
Molecular consequence: nonsense.
Genome position (GRCh38, 1-based): chr8:143,934,722, C>T on the plus strand (G>A on the coding strand, the complement: PLEC is on the minus strand). VCF-style: chr8-143934722-C-T. GRCh37 (hg19) VCF-style: chr8-145008890-C-T.
Other names: c.1035G>A, p.Trp345Ter (NM_000445.5, NM_001410941.1); c.912G>A, p.Trp304Ter (NM_201378.4); c.888G>A, p.Trp296Ter (NM_201379.3); c.1365G>A, p.Trp455Ter (NM_201380.4); c.858G>A, p.Trp286Ter (NM_201381.3); c.954G>A, p.Trp318Ter (NM_201382.4); c.966G>A, p.Trp322Ter (NM_201383.3); short protein forms W286*, W296*, W304*, W318*, W322*, W345*, W455*.
Identifiers: ClinVar variation 4528342 (VCV004528342.1).

ClinVar aggregate classification (germline): Pathogenic (1 of 4 stars; one submission).

Conditions:
Epidermolysis bullosa simplex 1A, generalized severe (EBS1A). Also called: Epidermolysis bullosa simplex Dowling-Meara type. Identifiers: Orphanet 79396, MedGen C0079295, MONDO:0007550, OMIM 131760.

gnomAD v4.1: 1 of 1,612,594 alleles (0.000062%); highest among the groups gnomAD compares: Non-Finnish European, 0.000085%; no homozygotes.

Submission:

Centro de Genética y Biología Molecular, Universidad de San Martín de Porres
Classification: Pathogenic for Epidermolysis bullosa simplex 1A, generalized severe. Last evaluated: 2025-01-20. Review status: criteria provided, single submitter. Criteria: ACMG Guidelines, 2015. Collection method: research. Allele origin: biparental. Inheritance: Autosomal recessive inheritance. Affected: yes.
Comment: This variant introduces a truncation of the PLECTIN protein after an stop codon variant is shown in exon 11 of the PLEC gene. Restictive dermopathy as first diagnosis. Variant is homocygote and there are some reports that diagnosis could be Epidermolysis bullosa simplex 5B, with muscular dystrophy (8q24.3). No previous report of this particular variant are in the literature.